The following is an entry in ClinVar:

ClinVar aggregate classification (germline): Likely pathogenic (1 of 4 stars; one submission).

Conditions:
Dilated cardiomyopathy 1G (CMD1G). Identifiers: Orphanet 154, MedGen C1858763, MONDO:0011400, OMIM 604145.
Autosomal recessive limb-girdle muscular dystrophy type 2J (LGMDR10). Also called: Limb-girdle muscular dystrophy, type 2J; MUSCULAR DYSTROPHY, LIMB-GIRDLE, AUTOSOMAL RECESSIVE 10. Identifiers: Orphanet 140922, MedGen C1837342, MONDO:0012127, OMIM 608807.

Submission:

Labcorp Genetics (formerly Invitae), Labcorp
Classification: Likely pathogenic for Dilated cardiomyopathy 1G; Autosomal recessive limb-girdle muscular dystrophy type 2J. Last evaluated: 2022-06-27. Review status: criteria provided, single submitter. Criteria: Invitae Variant Classification Sherloc (09022015). Collection method: clinical testing. Allele origin: germline.
Comment: In summary, the currently available evidence indicates that the variant is pathogenic, but additional data are needed to prove that conclusively. Therefore, this variant has been classified as Likely Pathogenic. This variant is located in the A band of TTN (PMID: 25589632). Truncating variants in this region are significantly overrepresented in patients affected with dilated cardiomyopathy (PMID: 25589632). Truncating variants in this region have also been reported in individuals affected with autosomal recessive centronuclear myopathy (PMID: 23975875). This variant has not been reported in the literature in individuals affected with TTN-related conditions. This variant is not present in population databases (gnomAD no frequency). This sequence change creates a premature translational stop signal (p.Lys22804Ilefs*3) in the TTN gene. While this is not anticipated to result in nonsense mediated decay, it is expected to create a truncated TTN protein.

Literature cited by the submitters: PubMed 25589632; PubMed 23975875.

NM_001267550.2(TTN):c.68410_68411insTCGGTTA (p.Lys22804delinsIleGlyTer)

Genes: TTN (titin; minus strand), TTN-AS1 (TTN antisense RNA 1; plus strand). Cytogenetic location: 2q31.2.
Variant type: Insertion.
Coding change: c.68410_68411insTCGGTTA on transcript NM_001267550.2 (MANE Select); coding-DNA positions 68410 to 68411, TCGGTTA inserted.
Protein change: p.Lys22804delinsIleGlyTer.
Molecular consequence: nonsense.
Genome position: GRCh38 VCF-style: chr2-178578104-T-TTAACCGA. GRCh37 (hg19) VCF-style: chr2-179442831-T-TTAACCGA.
Other names: c.63487_63488insTCGGTTA, p.Lys21163delinsIleGlyTer (NM_001256850.1); c.41215_41216insTCGGTTA, p.Lys13739delinsIleGlyTer (NM_003319.4); c.60706_60707insTCGGTTA, p.Lys20236delinsIleGlyTer (NM_133378.4); c.41590_41591insTCGGTTA, p.Lys13864delinsIleGlyTer (NM_133432.3); c.41791_41792insTCGGTTA, p.Lys13931delinsIleGlyTer (NM_133437.4).
Identifiers: ClinVar variation 1346440 (VCV001346440.8), dbSNP rs2154174273, ClinGen allele CA2573134176.